The following is an entry in ClinVar:

ClinVar aggregate classification (germline): Uncertain significance (1 of 4 stars; one submission).

Allele frequency attached by ClinVar (database versions not stated): gnomAD exomes below 0.00001; TOPMed below 0.00001.
gnomAD v4.1: 3 of 1,582,838 alleles (0.00019%); highest among the groups gnomAD compares: East Asian, 0.0023%; no homozygotes.

Submission:

GeneDx
Classification: Uncertain significance. Last evaluated: 2019-04-11. Review status: criteria provided, single submitter. Criteria: GeneDx Variant Classification Process June 2021. Collection method: clinical testing. Allele origin: germline. Affected: yes.
Comment: Not observed in large population cohorts (Lek et al., 2016); In silico analysis, which includes protein predictors and evolutionary conservation, supports that this variant does not alter protein structure/function; Has not been previously published as pathogenic or benign to our knowledge

NM_018896.5(CACNA1G):c.3223G>A (p.Ala1075Thr)

Gene: CACNA1G (calcium voltage-gated channel subunit alpha1 G; plus strand). Cytogenetic location: 17q21.33.
Variant type: single nucleotide variant.
Coding change: c.3223G>A on transcript NM_018896.5 (MANE Select); coding-DNA position 3223, G replaced by A.
Protein change: p.Ala1075Thr; replaces alanine 1075 with threonine.
Molecular consequence: missense variant. On other transcripts: non-coding transcript variant (5).
Genome position (GRCh38, 1-based): chr17:50,596,888, G>A. VCF-style: chr17-50596888-G-A. GRCh37 (hg19) VCF-style: chr17-48674249-G-A.
Other names: c.3223G>A, p.Ala1075Thr (NM_001256324.2, NM_001256325.2, NM_001256326.2 and 16 more transcripts); c.3154G>A, p.Ala1052Thr (NM_001256332.2, NM_198376.3, NM_198379.3 and 5 more transcripts); short protein forms A1052T, A1075T.
Identifiers: ClinVar variation 1183022 (VCV001183022.2), dbSNP rs2045665040, ClinGen allele CA400252465.
Genomic context (GRCh38, chr17:50,596,888, plus strand): 5'-AGCACGGGCCTGGGCGAGGCGCTGGGCCCTGCGTCGCGCCGCACCAGCAGCAGCGGGTCG[G>A]CAGAGCCTGGGGCGGCCCACGAGATGAAGTCACCGGTAGGGGGTGCATGTGGGTACCCTG-3'
Protein context (NP_061496.2, residues 1065-1085): ASRRTSSSGS[Ala1075Thr]EPGAAHEMKS